The following is an entry in ClinVar:

ClinVar aggregate classification (germline): Uncertain significance (1 of 4 stars; one submission).

Submission:

GeneDx
Classification: Uncertain significance. Last evaluated: 2023-12-23. Review status: criteria provided, single submitter. Criteria: GeneDx Variant Classification Process June 2021. Collection method: clinical testing. Allele origin: germline. Affected: yes.
Comment: Not observed at significant frequency in large population cohorts (gnomAD); In silico analysis supports that this missense variant has a deleterious effect on protein structure/function; Has not been previously published as pathogenic or benign to our knowledge

NM_004606.5(TAF1):c.14A>T (p.Asp5Val)

Gene: TAF1 (TATA-box binding protein associated factor 1; plus strand). Cytogenetic location: Xq13.1.
Variant type: single nucleotide variant.
Coding change: c.14A>T on transcript NM_004606.5 (MANE Select); coding-DNA position 14, A replaced by T.
Protein change: p.Asp5Val; replaces aspartic acid 5 with valine.
Molecular consequence: missense variant. On other transcripts: non-coding transcript variant (9).
Genome position (GRCh38, 1-based): chrX:71,366,388, A>T. VCF-style: chrX-71366388-A-T. GRCh37 (hg19) VCF-style: chrX-70586238-A-T.
Other names: c.14A>T, p.Asp5Val (NM_001286074.2, NM_138923.4); short protein forms D5V.
Identifiers: ClinVar variation 3370274 (VCV003370274.1).